The following is an entry in ClinVar:

ClinVar aggregate classification (germline): Conflicting classifications of pathogenicity. Review status: criteria provided, conflicting classifications (1 of 4 stars). 8 submissions from 8 submitters: Uncertain significance (7); Likely benign (1). Last evaluated 2025-11-22.

Conditions:
Cardiovascular phenotype. Identifiers: MedGen CN230736.
Arrhythmogenic right ventricular dysplasia 2. Identifiers: MedGen C1832931.
Catecholaminergic polymorphic ventricular tachycardia 1. Also called: RYR2-Related Catecholaminergic Polymorphic Ventricular Tachycardia; VENTRICULAR TACHYCARDIA, STRESS-INDUCED POLYMORPHIC 1; VENTRICULAR TACHYCARDIA, CATECHOLAMINERGIC POLYMORPHIC, 1, WITH OR WITHOUT ATRIAL DYSFUNCTION AND/OR DILATED CARDIOMYOPATHY. Identifiers: Orphanet 3286, MedGen C1631597, MONDO:0011484, OMIM 604772.
Ventricular arrhythmias due to cardiac ryanodine receptor calcium release deficiency syndrome. Also called: Autosomal dominant cardiac arrhythmia (Kuhn). Identifiers: MedGen C5542154, MONDO:0020745, OMIM 115000.
Catecholaminergic polymorphic ventricular tachycardia (CVPT). Also called: Catecholamine-induced polymorphic ventricular tachycardia. Identifiers: Orphanet 3286, MedGen C5574922, MONDO:0017990.
Cardiomyopathy (CMYO). Also called: Cardiomyopathies. Identifiers: Orphanet 167848, MedGen C0878544, MONDO:0004994, HP:0001638. Inheritance: Various modes of inheritance.

Allele frequency attached by ClinVar (database versions not stated): TOPMed below 0.00001; gnomAD 0.00001; gnomAD exomes 0.00002; ExAC 0.00003.
gnomAD v4.1: 15 of 1,577,800 alleles (0.00095%); highest among the groups gnomAD compares: African/African-American, 0.0027%; no homozygotes.

Submissions (8):

Labcorp Genetics (formerly Invitae), Labcorp
Classification: Uncertain significance for Catecholaminergic polymorphic ventricular tachycardia 1. Last evaluated: 2025-11-22. Review status: criteria provided, single submitter. Criteria: Invitae Variant Classification Sherloc (09022015). Collection method: clinical testing. Allele origin: germline.
Comment: This sequence change replaces threonine, which is neutral and polar, with methionine, which is neutral and non-polar, at codon 1056 of the RYR2 protein (p.Thr1056Met). This variant is present in population databases (rs779146564, gnomAD 0.008%). This variant has not been reported in the literature in individuals affected with RYR2-related conditions. ClinVar contains an entry for this variant (Variation ID: 927498). Invitae Evidence Modeling of protein sequence and biophysical properties (such as structural, functional, and spatial information, amino acid conservation, physicochemical variation, residue mobility, and thermodynamic stability) indicates that this missense variant is expected to disrupt RYR2 protein function with a positive predictive value of 95%. In summary, the available evidence is currently insufficient to determine the role of this variant in disease. Therefore, it has been classified as a Variant of Uncertain Significance.

Color Diagnostics, LLC DBA Color Health
Classification: Uncertain significance for Cardiomyopathy. Last evaluated: 2025-08-11. Review status: criteria provided, single submitter. Criteria: ACMG Guidelines, 2015. Collection method: clinical testing. Allele origin: germline.
Comment: This missense variant replaces threonine with methionine at codon 1056 of the RYR2 protein. Computational prediction suggests that this variant may have deleterious impact on protein structure and function. To our knowledge, functional studies have not been reported for this variant. This variant has not been reported in individuals affected with RYR2-related disorders in the literature. This variant has been identified in 4/191012 chromosomes in the general population by the Genome Aggregation Database (gnomAD). The available evidence is insufficient to determine the role of this variant in disease conclusively. Therefore, this variant is classified as a Variant of Uncertain Significance.

All of Us Research Program, National Institutes of Health
Classification: Uncertain significance for Catecholaminergic polymorphic ventricular tachycardia. Last evaluated: 2024-03-05. Review status: criteria provided, single submitter. Criteria: ACMG Guidelines, 2015. Collection method: clinical testing. Allele origin: germline. Inheritance: Autosomal dominant inheritance. Observed: 5 variant alleles, 5 heterozygotes.
Comment: This missense variant replaces threonine with methionine at codon 1056 of the RYR2 protein. Computational prediction tools and conservation analyses suggest that this variant may have deleterious impact on the protein function. Computational splicing tools suggest that this variant may not impact RNA splicing. To our knowledge, functional assays have not been performed for this variant nor has this variant been reported in individuals affected with cardiovascular disorders in the literature. This variant has been identified in 4/191012 chromosomes in the general population by the Genome Aggregation Database (gnomAD). Available evidence is insufficient to determine the role of this variant in disease conclusively. Therefore, this variant is classified as a Variant of Uncertain Significance.

This study involves interpretation of variants in research participants for the purpose of population health screening. Participant phenotype was not available at the time of variant classification. Additional details can be found in publication PMID: 35346344, PMCID: PMC8962531

Revvity Omics, Revvity
Classification: Uncertain significance. Last evaluated: 2023-01-19. Review status: criteria provided, single submitter. Criteria: ACMG Guidelines, 2015. Collection method: clinical testing. Allele origin: germline.

Ambry Genetics
Classification: Uncertain significance for Cardiovascular phenotype. Last evaluated: 2022-03-09. Review status: criteria provided, single submitter. Criteria: Ambry Variant Classification Scheme 2023. Collection method: clinical testing. Allele origin: germline.
Comment: The p.T1056M variant (also known as c.3167C>T), located in coding exon 27 of the RYR2 gene, results from a C to T substitution at nucleotide position 3167. The threonine at codon 1056 is replaced by methionine, an amino acid with similar properties. This amino acid position is highly conserved in available vertebrate species. In addition, this alteration is predicted to be deleterious by in silico analysis. Since supporting evidence is limited at this time, the clinical significance of this alteration remains unclear.

Fulgent Genetics
Classification: Uncertain significance for Ventricular arrhythmias due to cardiac ryanodine receptor calcium release deficiency syndrome; Catecholaminergic polymorphic ventricular tachycardia 1. Last evaluated: 2022-02-22. Review status: criteria provided, single submitter. Criteria: ACMG Guidelines, 2015. Collection method: clinical testing. Allele origin: unknown.

GeneDx
Classification: Uncertain significance. Last evaluated: 2021-09-30. Review status: criteria provided, single submitter. Criteria: GeneDx Variant Classification Process June 2021. Collection method: clinical testing. Allele origin: germline. Affected: yes.
Comment: Has not been previously published as pathogenic or benign to our knowledge; Not observed at significant frequency in large population cohorts (Lek et al., 2016); In silico analysis supports that this missense variant has a deleterious effect on protein structure/function; Not located in one of the three hot-spot regions of the RYR2 gene, where the majority of pathogenic missense variants occur (Medeiros-Domingo et al., 2009); This variant is associated with the following publications: (PMID: 19926015)

Blueprint Genetics
Classification: Likely benign. Last evaluated: 2020-11-25. Review status: criteria provided, single submitter. Criteria: ACMG Guidelines, 2015. Collection method: clinical testing. Allele origin: germline.

NM_001035.3(RYR2):c.3167C>T (p.Thr1056Met)

Gene: RYR2 (ryanodine receptor 2; plus strand). Cytogenetic location: 1q43.
Variant type: single nucleotide variant.
Coding change: c.3167C>T on transcript NM_001035.3 (MANE Select); coding-DNA position 3167, C replaced by T.
Protein change: p.Thr1056Met; replaces threonine 1056 with methionine.
Molecular consequence: missense variant.
Genome position (GRCh38, 1-based): chr1:237,550,644, C>T. VCF-style: chr1-237550644-C-T. GRCh37 (hg19) VCF-style: chr1-237713944-C-T.
Other names: c.3167C>T (NM_001035.2); short protein forms T1056M.
Identifiers: ClinVar variation 927498 (VCV000927498.23), dbSNP rs779146564, ClinGen allele CA086318.
Genomic context (GRCh38, chr1:237,550,644, plus strand): 5'-CTCTTCTGGATGACCGAACCAAGAAATCCAACAAGGACAGCCTCCGCGAGGCTGTGCGCA[C>T]GCTGCTGGGGTACGGCTACAACTTGGAAGCACCAGATCAAGATCATGGTATTTTGGTTTT-3'
Protein context (NP_001026.2, residues 1046-1066): NKDSLREAVR[Thr1056Met]LLGYGYNLEA